The following is an entry in ClinVar:

ClinVar aggregate classification (germline): Uncertain significance (1 of 4 stars; one submission).

Allele frequency attached by ClinVar (database versions not stated): ExAC 0.00001; gnomAD 0.00001; TOPMed 0.00001; gnomAD exomes 0.00002.
gnomAD v4.1: 29 of 1,608,344 alleles (0.0018%); highest among the groups gnomAD compares: East Asian, 0.0045%; no homozygotes.

Submission:

Labcorp Genetics (formerly Invitae), Labcorp
Classification: Uncertain significance. Last evaluated: 2022-05-13. Review status: criteria provided, single submitter. Criteria: Invitae Variant Classification Sherloc (09022015). Collection method: clinical testing. Allele origin: germline.
Comment: This sequence change replaces arginine, which is basic and polar, with tryptophan, which is neutral and slightly polar, at codon 121 of the FNIP1 protein (p.Arg121Trp). This variant is present in population databases (rs747723482, gnomAD 0.007%). This variant has not been reported in the literature in individuals affected with FNIP1-related conditions. Algorithms developed to predict the effect of missense changes on protein structure and function are either unavailable or do not agree on the potential impact of this missense change (SIFT: "Deleterious"; PolyPhen-2: "Benign"; Align-GVGD: "Class C0"). In summary, the available evidence is currently insufficient to determine the role of this variant in disease. Therefore, it has been classified as a Variant of Uncertain Significance.

NM_133372.3(FNIP1):c.361C>T (p.Arg121Trp)

Gene: FNIP1 (folliculin interacting protein 1; minus strand). Cytogenetic location: 5q31.1.
Variant type: single nucleotide variant.
Coding change: c.361C>T on transcript NM_133372.3 (MANE Select); coding-DNA position 361, C replaced by T.
Protein change: p.Arg121Trp; replaces arginine 121 with tryptophan.
Molecular consequence: missense variant.
Genome position (GRCh38, 1-based): chr5:131,719,411, G>A on the plus strand (C>T on the coding strand, the complement: FNIP1 is on the minus strand). VCF-style: chr5-131719411-G-A. GRCh37 (hg19) VCF-style: chr5-131055104-G-A.
Other names: c.361C>T, p.Arg121Trp (NM_001008738.3, NM_001346113.2); c.226C>T, p.Arg76Trp (NM_001346114.2); short protein forms R121W, R76W.
Identifiers: ClinVar variation 1912184 (VCV001912184.2), dbSNP rs747723482, ClinGen allele CA3400964.